The following is an entry in ClinVar:

NM_001378418.1(TCF20):c.1457C>T (p.Ser486Phe)

Gene: TCF20 (transcription factor 20; minus strand). Cytogenetic location: 22q13.2.
Variant type: single nucleotide variant.
Coding change: c.1457C>T on transcript NM_001378418.1 (MANE Select); coding-DNA position 1457, C replaced by T.
Protein change: p.Ser486Phe; replaces serine 486 with phenylalanine.
Molecular consequence: missense variant.
Genome position (GRCh38, 1-based): chr22:42,213,849, G>A on the plus strand (C>T on the coding strand, the complement: TCF20 is on the minus strand). VCF-style: chr22-42213849-G-A. GRCh37 (hg19) VCF-style: chr22-42609855-G-A.
Other names: c.1457C>T, p.Ser486Phe (NM_005650.4, NM_181492.3); short protein forms S486F.
Identifiers: ClinVar variation 3765716 (VCV003765716.1).

ClinVar aggregate classification (germline): Uncertain significance (1 of 4 stars; one submission).

Submission:

Greenwood Genetic Center Diagnostic Laboratories, Greenwood Genetic Center
Classification: Uncertain significance. Last evaluated: 2024-10-21. Review status: criteria provided, single submitter. Criteria: ACMG Guidelines, 2015. Collection method: clinical testing. Allele origin: germline. Affected: yes.
Comment: PM2, BP4